The following is an entry in ClinVar:

ClinVar aggregate classification (germline): Uncertain significance. Review status: criteria provided, multiple submitters, no conflicts (2 of 4 stars). 3 submissions from 3 submitters: Uncertain significance (3). Last evaluated 2022-02-04.

Conditions:
Hearing impairment. Also called: Impaired Hearing. Identifiers: MedGen C1384666, MONDO:0005365, HP:0000365.

Allele frequency attached by ClinVar (database versions not stated): TOPMed 0.00002.

Submissions (3):

Labcorp Genetics (formerly Invitae), Labcorp
Classification: Uncertain significance. Last evaluated: 2022-02-04. Review status: criteria provided, single submitter. Criteria: Invitae Variant Classification Sherloc (09022015). Collection method: clinical testing. Allele origin: germline.
Comment: This variant has not been reported in the literature in individuals affected with DIABLO-related conditions. This variant is not present in population databases (gnomAD no frequency). This sequence change creates a premature translational stop signal (p.Tyr235Glyfs*5) in the DIABLO gene. While this is not anticipated to result in nonsense mediated decay, it is expected to disrupt the last 5 amino acid(s) of the DIABLO protein. ClinVar contains an entry for this variant (Variation ID: 374551). In summary, the available evidence is currently insufficient to determine the role of this variant in disease. Therefore, it has been classified as a Variant of Uncertain Significance.

Department of Otolaryngology – Head & Neck Surgery, Cochlear Implant Center
Classification: Uncertain significance for Hearing impairment. Last evaluated: 2021-04-12. Review status: criteria provided, single submitter. Criteria: ClinGen HL ACMG Specifications v1. Collection method: clinical testing. Allele origin: germline. Affected: yes.
Comment: PVS1_Moderate, PM2_Moderate

CeGaT Center for Human Genetics Tuebingen
Classification: Uncertain significance. Last evaluated: 2016-09-01. Review status: criteria provided, single submitter. Criteria: CeGaT Center For Human Genetics Tuebingen Variant Classification Criteria Version 2. Collection method: clinical testing. Allele origin: germline. Affected: yes. Observed: 1 variant allele.

NM_001371333.1(DIABLO):c.702_712del (p.Tyr235fs)

Genes: B3GNT4 (UDP-GlcNAc:betaGal beta-1,3-N-acetylglucosaminyltransferase 4; plus strand), DIABLO (diablo IAP-binding mitochondrial protein; minus strand). Cytogenetic location: 12q24.31.
Variant type: Deletion.
Coding change: c.702_712del on transcript NM_001371333.1 (MANE Select); coding-DNA positions 702 to 712, 11 bases deleted (CTACCTGCGTG).
Protein change: p.Tyr235fs; shifts the reading frame from tyrosine 235.
Molecular consequence: frameshift variant. On other transcripts: 3 prime UTR variant (2).
Genome position (GRCh38, 1-based): chr12:122,208,389-122,208,399, CACGCAGGTAG deleted on the plus strand (CTACCTGCGTG on the coding strand, the reverse complement: DIABLO is on the minus strand). VCF-style (leftmost placement, unchanged base first): chr12-122208388-TCACGCAGGTAG-T. GRCh37 (hg19) VCF-style: chr12-122692935-TCACGCAGGTAG-T.
Other names: c.411_421del, p.Tyr138fs (NM_001278302.1); c.483_493del, p.Tyr162fs (NM_001278303.1); c.543_553del, p.Tyr182fs (NM_001278304.2, NM_138930.3); c.570_580del, p.Tyr191fs (NM_001278342.1); c.702_712del, p.Tyr235fs (NM_019887.6); c.*1001_*1011del (NM_001330492.2, NM_030765.4); short protein forms Y162fs, Y182fs, Y138fs, Y235fs, Y191fs.
Identifiers: ClinVar variation 374551 (VCV000374551.50), dbSNP rs1057519151, ClinGen allele CA16043792.